The following is an entry in ClinVar:

NM_000497.4(CYP11B1):c.88C>T (p.Arg30Trp)

Genes: CYP11B1 (cytochrome P450 family 11 subfamily B member 1; minus strand), LOC110673972 (CYP11B1 promoter; plus strand). Cytogenetic location: 8q24.3.
Variant type: single nucleotide variant.
Coding change: c.88C>T on transcript NM_000497.4 (MANE Select); coding-DNA position 88, C replaced by T.
Protein change: p.Arg30Trp; replaces arginine 30 with tryptophan.
Molecular consequence: missense variant.
Genome position (GRCh38, 1-based): chr8:142,879,726, G>A on the plus strand (C>T on the coding strand, the complement: CYP11B1 is on the minus strand). VCF-style: chr8-142879726-G-A. GRCh37 (hg19) VCF-style: chr8-143961142-G-A.
Other names: c.88C>T, p.Arg30Trp (NM_001026213.1); short protein forms R30W.
Identifiers: ClinVar variation 3705101 (VCV003705101.2).

ClinVar aggregate classification (germline): Uncertain significance (1 of 4 stars; one submission).

Submission:

Labcorp Genetics (formerly Invitae), Labcorp
Classification: Uncertain significance. Last evaluated: 2024-09-04. Review status: criteria provided, single submitter. Criteria: Invitae Variant Classification Sherloc (09022015). Collection method: clinical testing. Allele origin: germline.
Comment: This sequence change replaces arginine, which is basic and polar, with tryptophan, which is neutral and slightly polar, at codon 30 of the CYP11B1 protein (p.Arg30Trp). This variant is present in population databases (rs140274628, gnomAD 0.009%). This variant has not been reported in the literature in individuals affected with CYP11B1-related conditions. Invitae Evidence Modeling of protein sequence and biophysical properties (such as structural, functional, and spatial information, amino acid conservation, physicochemical variation, residue mobility, and thermodynamic stability) indicates that this missense variant is not expected to disrupt CYP11B1 protein function with a negative predictive value of 95%. In summary, the available evidence is currently insufficient to determine the role of this variant in disease. Therefore, it has been classified as a Variant of Uncertain Significance.